The following is an entry in ClinVar:

ClinVar aggregate classification (germline): Likely benign (1 of 4 stars; one submission).

Allele frequency attached by ClinVar (database versions not stated): 1000 Genomes Project 30x 0.00125; 1000 Genomes Project 0.00140; TOPMed 0.00221; gnomAD 0.00228; ESP Exome Variant Server 0.00261; gnomAD exomes 0.00295; ExAC 0.00313.
gnomAD v4.1: 4,634 of 1,614,220 alleles (0.29%); highest among the groups gnomAD compares: Non-Finnish European, 0.33%; 11 homozygotes.

Submission:

CeGaT Center for Human Genetics Tuebingen
Classification: Likely benign. Last evaluated: 2023-01-01. Review status: criteria provided, single submitter. Criteria: CeGaT Center For Human Genetics Tuebingen Variant Classification Criteria Version 2. Collection method: clinical testing. Allele origin: germline. Affected: yes. Observed: 1 variant allele.
Comment: TLN2: BP4, BS2

NM_015059.3(TLN2):c.4620C>T (p.Asn1540=)

Gene: TLN2 (talin 2; plus strand). Cytogenetic location: 15q22.2.
Variant type: single nucleotide variant.
Coding change: c.4620C>T on transcript NM_015059.3 (MANE Select); coding-DNA position 4620, C replaced by T.
Protein change: p.Asn1540=; no amino-acid change (asparagine 1540 retained).
Molecular consequence: synonymous variant.
Genome position (GRCh38, 1-based): chr15:62,755,675, C>T. VCF-style: chr15-62755675-C-T. GRCh37 (hg19) VCF-style: chr15-63047874-C-T.
Other names: c.4620C>T, p.Asn1540= (NM_001394547.1).
Identifiers: ClinVar variation 2645413 (VCV002645413.24), dbSNP rs118024777, ClinGen allele CA7599938.